The following is an entry in ClinVar:

NM_001199799.2(ILDR1):c.181C>T (p.Arg61Cys)

Gene: ILDR1 (immunoglobulin like domain containing receptor 1; minus strand). Cytogenetic location: 3q13.33.
Variant type: single nucleotide variant.
Coding change: c.181C>T on transcript NM_001199799.2 (MANE Select); coding-DNA position 181, C replaced by T.
Protein change: p.Arg61Cys; replaces arginine 61 with cysteine.
Molecular consequence: missense variant.
Genome position (GRCh38, 1-based): chr3:122,007,039, G>A on the plus strand (C>T on the coding strand, the complement: ILDR1 is on the minus strand). VCF-style: chr3-122007039-G-A. GRCh37 (hg19) VCF-style: chr3-121725886-G-A.
Other names: c.181C>T, p.Arg61Cys (NM_001199800.2, NM_175924.4); short protein forms R61C.
Identifiers: ClinVar variation 3602989 (VCV003602989.2).

ClinVar aggregate classification (germline): Uncertain significance. Review status: criteria provided, multiple submitters, no conflicts (2 of 4 stars). 2 submissions from 2 submitters: Uncertain significance (2). Last evaluated 2026-09-01.

gnomAD v4.1: 166 of 1,613,708 alleles (0.01%); highest among the groups gnomAD compares: South Asian, 0.033%; no homozygotes.

Submissions (2):

CeGaT Center for Human Genetics Tuebingen
Classification: Uncertain significance. Last evaluated: 2026-09-01. Review status: criteria provided, single submitter. Criteria: CeGaT Center For Human Genetics Tuebingen Variant Classification Criteria Version 2. Collection method: clinical testing. Allele origin: germline. Affected: yes. Observed: 1 variant allele.
Comment: ILDR1: PM2

GeneDx
Classification: Uncertain significance. Last evaluated: 2024-08-08. Review status: criteria provided, single submitter. Criteria: GeneDx Variant Classification Process June 2021. Collection method: clinical testing. Allele origin: germline. Affected: yes.
Comment: In silico analysis supports that this missense variant has a deleterious effect on protein structure/function; Has not been previously published as pathogenic or benign to our knowledge